The following is an entry in ClinVar:

NM_000171.4(GLRA1):c.299G>A (p.Arg100His)

Gene: GLRA1 (glycine receptor alpha 1; minus strand). Cytogenetic location: 5q33.1.
Variant type: single nucleotide variant.
Coding change: c.299G>A on transcript NM_000171.4 (MANE Select); coding-DNA position 299, G replaced by A.
Protein change: p.Arg100His; replaces arginine 100 with histidine.
Molecular consequence: missense variant.
Genome position (GRCh38, 1-based): chr5:151,859,962, C>T on the plus strand (G>A on the coding strand, the complement: GLRA1 is on the minus strand). VCF-style: chr5-151859962-C-T. GRCh37 (hg19) VCF-style: chr5-151239523-C-T.
Other names: G299A; c.299G>A, p.Arg100His (NM_001146040.2); c.50G>A, p.Arg17His (NM_001292000.2); short protein forms R100H, R17H.
Identifiers: ClinVar variation 38328 (VCV000038328.16), dbSNP rs281864914, ClinGen allele CA342950.

ClinVar aggregate classification (germline): Likely pathogenic. Review status: criteria provided, multiple submitters, no conflicts (2 of 4 stars). 4 submissions from 4 submitters: Likely pathogenic (2). 2 of the submissions do not count toward it. Last evaluated 2026-08-06.

Conditions:
GLRA1-related disorder. Also called: GLRA1-related condition.
Hereditary hyperekplexia. Identifiers: Orphanet 3197, MedGen C4084968, MONDO:0021022.
Hyperekplexia 1 (STHE). Also called: HYPEREKPLEXIA 1, AUTOSOMAL DOMINANT; HYPEREKPLEXIA 1, AUTOSOMAL RECESSIVE; KOK DISEASE; EXAGGERATED STARTLE REACTION; STARTLE DISEASE, FAMILIAL; STIFF-BABY SYNDROME. Identifiers: Orphanet 3197, MedGen C4551954, MONDO:0007868, OMIM 149400.

Allele frequency attached by ClinVar (database versions not stated): ExAC 0.00001; gnomAD 0.00001; gnomAD exomes 0.00001; TOPMed 0.00001.
gnomAD v4.1: 42 of 1,613,932 alleles (0.0026%); highest among the groups gnomAD compares: Non-Finnish European, 0.0033%; no homozygotes.

Submissions (4):

OLLIN Analises Genomicas, OLLIN
Classification: Likely pathogenic. Last evaluated: 2026-08-06. Review status: criteria provided, single submitter. Criteria: ACMG Guidelines 2015 PMID 25741868. Collection method: clinical testing. Allele origin: germline.
Comment: This missense variant, located in exon 4 (of 9), has been reported in ClinVar (accession VCV000038328.15), in gnomAD with an allele frequency of 0.0026%, and in the scientific literature, segregating with the phenotype and in compound heterozygosity, in individuals with GLRA1 related disorders (PMID: 25568133, 16078201, 24108130). Functional studies suggest that this variant may affect protein function, and in silico analysis predicts a deleterious effect (PMID: 25568133). Another pathogenic variant affecting the same amino acid residue has been reported (PMID: 24108130). According to the currently available evidence, this variant has been classified as likely pathogenic (PS3_P, PM2_P, PM3, PM5, PP1, PP3_M).

Labcorp Genetics (formerly Invitae), Labcorp
Classification: Likely pathogenic for Hereditary hyperekplexia. Last evaluated: 2022-06-17. Review status: criteria provided, single submitter. Criteria: Invitae Variant Classification Sherloc (09022015). Collection method: clinical testing. Allele origin: germline.
Comment: Advanced modeling of protein sequence and biophysical properties (such as structural, functional, and spatial information, amino acid conservation, physicochemical variation, residue mobility, and thermodynamic stability) performed at Invitae indicates that this missense variant is expected to disrupt GLRA1 protein function. In summary, the currently available evidence indicates that the variant is pathogenic, but additional data are needed to prove that conclusively. Therefore, this variant has been classified as Likely Pathogenic. This variant disrupts the p.Arg100 amino acid residue in GLRA1. Other variant(s) that disrupt this residue have been observed in individuals with GLRA1-related conditions (PMID: 16078201, 24108130), which suggests that this may be a clinically significant amino acid residue. Experimental studies have shown that this missense change affects GLRA1 function (PMID: 25568133). ClinVar contains an entry for this variant (Variation ID: 38328). This variant is also known as p.R72H. This missense change has been observed in individual(s) with autosomal recessive hyperekplexia (PMID: 16078201). It has also been observed to segregate with disease in related individuals. This variant is present in population databases (rs281864914, gnomAD 0.007%). This sequence change replaces arginine, which is basic and polar, with histidine, which is basic and polar, at codon 100 of the GLRA1 protein (p.Arg100His).

PreventionGenetics, part of Exact Sciences
Classification: Uncertain significance for GLRA1-related condition. Last evaluated: 2024-09-06. Review status: no assertion criteria provided. Collection method: clinical testing. Allele origin: germline. Not counted in ClinVar's aggregate classification.
Comment: The GLRA1 c.299G>A variant is predicted to result in the amino acid substitution p.Arg100His. This variant has reported in the homozygous state in an individual with hyperekplexia (Coto et al 2005. PubMed ID: 16078201). This variant is reported in 0.0062% of alleles in individuals of African descent in gnomAD. Although we suspect that this variant may be pathogenic, at this time, the clinical significance of this variant is uncertain due to the absence of conclusive functional and genetic evidence.

GeneReviews
Classification: Pathogenic for Hyperekplexia. Last evaluated: 2012-10-04. Review status: no assertion criteria provided. Collection method: curation. Allele origin: unknown. Not counted in ClinVar's aggregate classification.
ClinVar note: Converted during submission from pathologic to Pathogenic.

Literature cited by the submitters: PubMed 25568133 (cited by OLLIN Analises Genomicas, OLLIN and Labcorp Genetics (formerly Invitae), Labcorp); PubMed 16078201 (cited by OLLIN Analises Genomicas, OLLIN and Labcorp Genetics (formerly Invitae), Labcorp); PubMed 24108130 (cited by OLLIN Analises Genomicas, OLLIN and Labcorp Genetics (formerly Invitae), Labcorp).